The following is an entry in ClinVar:

ClinVar aggregate classification (germline): Uncertain significance (1 of 4 stars; one submission).

Conditions:
Fanconi anemia (FA). Also called: Fanconi's anemia. Identifiers: Orphanet 84, MedGen C0015625, MeSH D005199, MONDO:0019391.

Allele frequency attached by ClinVar (database versions not stated): gnomAD exomes below 0.00001.
gnomAD v4.1: 5 of 1,208,140 alleles (0.00041%); highest among the groups gnomAD compares: Non-Finnish European, 0.00056%; no homozygotes.

Submission:

Labcorp Genetics (formerly Invitae), Labcorp
Classification: Uncertain significance for Fanconi anemia. Last evaluated: 2024-09-16. Review status: criteria provided, single submitter. Criteria: Invitae Variant Classification Sherloc (09022015). Collection method: clinical testing. Allele origin: germline.
Comment: This sequence change replaces histidine, which is basic and polar, with tyrosine, which is neutral and polar, at codon 679 of the FANCB protein (p.His679Tyr). This variant is not present in population databases (gnomAD no frequency). This variant has not been reported in the literature in individuals affected with FANCB-related conditions. ClinVar contains an entry for this variant (Variation ID: 2083799). Invitae Evidence Modeling of protein sequence and biophysical properties (such as structural, functional, and spatial information, amino acid conservation, physicochemical variation, residue mobility, and thermodynamic stability) indicates that this missense variant is not expected to disrupt FANCB protein function with a negative predictive value of 80%. In summary, the available evidence is currently insufficient to determine the role of this variant in disease. Therefore, it has been classified as a Variant of Uncertain Significance.

NM_001018113.3(FANCB):c.2035C>T (p.His679Tyr)

Gene: FANCB (FA complementation group B; minus strand). Cytogenetic location: Xp22.2.
Variant type: single nucleotide variant.
Coding change: c.2035C>T on transcript NM_001018113.3 (MANE Select); coding-DNA position 2035, C replaced by T.
Protein change: p.His679Tyr; replaces histidine 679 with tyrosine.
Molecular consequence: missense variant.
Genome position (GRCh38, 1-based): chrX:14,844,633, G>A on the plus strand (C>T on the coding strand, the complement: FANCB is on the minus strand). VCF-style: chrX-14844633-G-A. GRCh37 (hg19) VCF-style: chrX-14862755-G-A.
Other names: c.2035C>T, p.His679Tyr (NM_001324162.2, NM_001410764.1, NM_152633.4); short protein forms H679Y.
Identifiers: ClinVar variation 2083799 (VCV002083799.4), dbSNP rs2518951031, ClinGen allele CA412438682.